The following is an entry in ClinVar:

NM_001369.3(DNAH5):c.7924A>G (p.Thr2642Ala)

Gene: DNAH5 (dynein axonemal heavy chain 5; minus strand). Cytogenetic location: 5p15.2.
Variant type: single nucleotide variant.
Coding change: c.7924A>G on transcript NM_001369.3 (MANE Select); coding-DNA position 7924, A replaced by G.
Protein change: p.Thr2642Ala; replaces threonine 2642 with alanine.
Molecular consequence: missense variant.
Genome position (GRCh38, 1-based): chr5:13,794,022, T>C on the plus strand (A>G on the coding strand, the complement: DNAH5 is on the minus strand). VCF-style: chr5-13794022-T-C. GRCh37 (hg19) VCF-style: chr5-13794131-T-C.
Other names: short protein forms T2642A.
Identifiers: ClinVar variation 696655 (VCV000696655.15), dbSNP rs375094026, ClinGen allele CA3202952.

ClinVar aggregate classification (germline): Likely benign. Review status: criteria provided, multiple submitters, no conflicts (2 of 4 stars). 4 submissions from 4 submitters: Likely benign (4). Last evaluated 2026-02-01.

Conditions:
Primary ciliary dyskinesia. Also called: Ciliary dyskinesia. Identifiers: Orphanet 244, MedGen C0008780, MONDO:0016575, HP:0012265.
DNAH5-related disorder. Also called: DNAH5-related condition.

Allele frequency attached by ClinVar (database versions not stated): gnomAD 0.00001 and 0.00007; TOPMed 0.00004; gnomAD exomes 0.00017 and 0.00036; 1000 Genomes Project 30x 0.00031; ExAC 0.00038; 1000 Genomes Project 0.00040.
gnomAD v4.1: 292 of 1,614,148 alleles (0.018%); highest among the groups gnomAD compares: South Asian, 0.27%; 3 homozygotes.

Submissions (4):

Labcorp Genetics (formerly Invitae), Labcorp
Classification: Likely benign for Primary ciliary dyskinesia. Last evaluated: 2026-02-01. Review status: criteria provided, single submitter. Criteria: Invitae Variant Classification Sherloc (09022015). Collection method: clinical testing. Allele origin: germline.

PreventionGenetics, part of Exact Sciences
Classification: Likely benign for DNAH5-related condition. Last evaluated: 2025-02-19. Review status: criteria provided, single submitter. Criteria: ACMG Guidelines, 2015. Collection method: clinical testing. Allele origin: germline.
Comment: This variant is classified as likely benign based on ACMG/AMP sequence variant interpretation guidelines (Richards et al. 2015 PMID: 25741868, with internal and published modifications).

Blueprint Genetics
Classification: Likely benign. Last evaluated: 2024-07-03. Review status: criteria provided, single submitter. Criteria: ACMG Guidelines, 2015. Collection method: clinical testing. Allele origin: germline.

Ambry Genetics
Classification: Likely benign for Primary ciliary dyskinesia. Last evaluated: 2021-10-29. Review status: criteria provided, single submitter. Criteria: Ambry Variant Classification Scheme 2023. Collection method: clinical testing. Allele origin: germline.